The following is an entry in ClinVar:

ClinVar aggregate classification (germline): Pathogenic (1 of 4 stars; one submission).

Submission:

Labcorp Genetics (formerly Invitae), Labcorp
Classification: Pathogenic. Last evaluated: 2022-08-27. Review status: criteria provided, single submitter. Criteria: Invitae Variant Classification Sherloc (09022015). Collection method: clinical testing. Allele origin: germline.
Comment: This variant is not present in population databases (gnomAD no frequency). This sequence change creates a premature translational stop signal (p.Asp435Argfs*33) in the MAK gene. It is expected to result in an absent or disrupted protein product. Loss-of-function variants in MAK are known to be pathogenic (PMID: 21148103, 21825139, 24938718, 29781741). This variant has not been reported in the literature in individuals affected with MAK-related conditions. For these reasons, this variant has been classified as Pathogenic.

Literature cited by the submitters: PubMed 21148103; PubMed 21825139; PubMed 24938718; PubMed 29781741.

NM_001242957.3(MAK):c.1302dup (p.Asp435fs)

Gene: MAK (male germ cell associated kinase; minus strand). Cytogenetic location: 6p24.2.
Variant type: Duplication.
Coding change: c.1302dup on transcript NM_001242957.3 (MANE Select); coding-DNA position 1302, one base duplicated (A; older notation c.1302dupA).
Protein change: p.Asp435fs; shifts the reading frame from aspartic acid 435.
Molecular consequence: frameshift variant. On other transcripts: non-coding transcript variant (2).
Genome position (GRCh38, 1-based): chr6:10,791,689, T duplicated on the plus strand (A on the coding strand, the reverse complement: MAK is on the minus strand); the first of 6 consecutive T bases (chr6:10,791,689-10,791,694); duplicating any one gives the same sequence. VCF-style (leftmost placement, unchanged base first): chr6-10791688-C-CT. GRCh37 (hg19) VCF-style: chr6-10791921-C-CT.
Other names: c.1302dup, p.Asp435fs (NM_001242385.2, NM_005906.6); c.1200dup, p.Asp401fs (NM_001377262.1); short protein forms D435fs, D401fs.
Identifiers: ClinVar variation 2027144 (VCV002027144.4), dbSNP rs2532397214, ClinGen allele CA645543177.
Genomic context (GRCh38, chr6:10,791,688, plus strand): 5'-AGTTAATGCATGGCAAAAATATTTTTCTGAGGAATTTGAAATCTTACCGAAATGGAGAAT[C>CT]TTTTTTCCTTTTTTCTTTAAAAACACCCATGCTTGGCTTCTTGGAATGGGAGGCTCCGAA-3'